The following is an entry in ClinVar:

NM_001376.5(DYNC1H1):c.6618+6_6618+7del

Gene: DYNC1H1 (dynein cytoplasmic 1 heavy chain 1; plus strand). Cytogenetic location: 14q32.31.
Variant type: Deletion.
Coding change: c.6618+6_6618+7del on transcript NM_001376.5 (MANE Select); bases 6 to 7 of the intron after coding-DNA position 6618, 2 bases deleted (TT; older notation c.6618+6_6618+7delTT).
Molecular consequence: intron variant.
Genome position (GRCh38, 1-based): chr14:102,010,958-102,010,959, TT deleted. VCF-style (leftmost placement, unchanged base first): chr14-102010957-CTT-C. GRCh37 (hg19) VCF-style: chr14-102477294-CTT-C.
Identifiers: ClinVar variation 1982243 (VCV001982243.4), dbSNP rs1270095422, ClinGen allele CA616580145.
Genomic context (GRCh38, chr14:102,010,957, plus strand): 5'-AGATGTATTTGACATATGGAGATGGAGAAGAAGTTGGTGGAATGTGGGTTGAAAAGGTAA[CTT>C]GGATTGTTTCACTGGCCACTGCCCTCACAGACCCTGCTGGCTTTAGTGTCTGGTAATGAC-3'

ClinVar aggregate classification (germline): Uncertain significance (1 of 4 stars; one submission).

Conditions:
Charcot-Marie-Tooth disease axonal type 2O. Also called: CHARCOT-MARIE-TOOTH NEUROPATHY, AXONAL, TYPE 2O; CHARCOT-MARIE-TOOTH DISEASE, AXONAL, AUTOSOMAL DOMINANT, TYPE 2O; Charcot-Marie-Tooth Neuropathy Type 2O; Charcot-Marie-Tooth disease, axonal, type 20. Identifiers: Orphanet 284232, MedGen C3280220, MONDO:0013644, OMIM 614228.

Allele frequency attached by ClinVar (database versions not stated): gnomAD exomes below 0.00001.

Submission:

Labcorp Genetics (formerly Invitae), Labcorp
Classification: Uncertain significance for Charcot-Marie-Tooth disease axonal type 2O. Last evaluated: 2024-01-26. Review status: criteria provided, single submitter. Criteria: Invitae Variant Classification Sherloc (09022015). Collection method: clinical testing. Allele origin: germline.
Comment: This sequence change falls in intron 32 of the DYNC1H1 gene. It does not directly change the encoded amino acid sequence of the DYNC1H1 protein. It affects a nucleotide within the consensus splice site. This variant is present in population databases (no rsID available, gnomAD 0.003%). This variant has not been reported in the literature in individuals affected with DYNC1H1-related conditions. ClinVar contains an entry for this variant (Variation ID: 1982243). Variants that disrupt the consensus splice site are a relatively common cause of aberrant splicing (PMID: 17576681, 9536098). Algorithms developed to predict the effect of sequence changes on RNA splicing suggest that this variant is not likely to affect RNA splicing. In summary, the available evidence is currently insufficient to determine the role of this variant in disease. Therefore, it has been classified as a Variant of Uncertain Significance.

Literature cited by the submitters: PubMed 17576681; PubMed 9536098.